The following is an entry in ClinVar:

NM_000528.4(MAN2B1):c.1521G>T (p.Ala507=)

Gene: MAN2B1 (mannosidase alpha class 2B member 1; minus strand). Cytogenetic location: 19p13.13.
Variant type: single nucleotide variant.
Coding change: c.1521G>T on transcript NM_000528.4 (MANE Select); coding-DNA position 1521, G replaced by T.
Protein change: p.Ala507=; no amino-acid change (alanine 507 retained).
Molecular consequence: synonymous variant.
Genome position (GRCh38, 1-based): chr19:12,656,955, C>A on the plus strand (G>T on the coding strand, the complement: MAN2B1 is on the minus strand). VCF-style: chr19-12656955-C-A. GRCh37 (hg19) VCF-style: chr19-12767769-C-A.
Other names: p.Ala507=; c.1518G>T, p.Ala506= (NM_001173498.2).
Identifiers: ClinVar variation 785313 (VCV000785313.49), dbSNP rs143318498, ClinGen allele CA9226423.

ClinVar aggregate classification (germline): Conflicting classifications of pathogenicity. Review status: criteria provided, conflicting classifications (1 of 4 stars). 10 submissions from 10 submitters: Uncertain significance (1); Likely benign (6). 3 of the submissions do not count toward it. Last evaluated 2026-04-01.

Conditions:
Deficiency of alpha-mannosidase (MANSA). Also called: Alpha-Mannosidosis; Mannosidosis, alpha-, types I and II; LYSOSOMAL ALPHA-D-MANNOSIDASE DEFICIENCY. Identifiers: Orphanet 61, MedGen C0024748, MONDO:0009561, OMIM 248500.
MAN2B1-related disorder. Also called: MAN2B1-related condition.

Allele frequency attached by ClinVar (database versions not stated): 1000 Genomes Project 0.00020; 1000 Genomes Project 30x 0.00031; ESP Exome Variant Server 0.00062; gnomAD 0.00073 and 0.00077; TOPMed 0.00076; gnomAD exomes 0.00113 and 0.00145; ExAC 0.00149.
gnomAD v4.1: 2,217 of 1,612,984 alleles (0.14%); highest among the groups gnomAD compares: Middle Eastern, 0.38%; 5 homozygotes.

Submissions (10):

CeGaT Center for Human Genetics Tuebingen
Classification: Likely benign. Last evaluated: 2026-04-01. Review status: criteria provided, single submitter. Criteria: CeGaT Center For Human Genetics Tuebingen Variant Classification Criteria Version 2. Collection method: clinical testing. Allele origin: germline. Affected: yes. Observed: 3 variant alleles.
Comment: MAN2B1: BP4, BP7

Labcorp Genetics (formerly Invitae), Labcorp
Classification: Likely benign for Deficiency of alpha-mannosidase. Last evaluated: 2026-01-26. Review status: criteria provided, single submitter. Criteria: Invitae Variant Classification Sherloc (09022015). Collection method: clinical testing. Allele origin: germline.

Mayo Clinic Laboratories, Mayo Clinic
Classification: Likely benign. Last evaluated: 2025-09-03. Review status: criteria provided, single submitter. Criteria: ACMG Guidelines, 2015. Collection method: clinical testing. Allele origin: germline. Observed: 2 variant alleles.
Comment: BS1, BP4, BP7

PreventionGenetics, part of Exact Sciences
Classification: Likely benign for MAN2B1-related condition. Last evaluated: 2025-03-25. Review status: criteria provided, single submitter. Criteria: ACMG Guidelines, 2015. Collection method: clinical testing. Allele origin: germline.
Comment: This variant is classified as likely benign based on ACMG/AMP sequence variant interpretation guidelines (Richards et al. 2015 PMID: 25741868, with internal and published modifications).

Blueprint Genetics
Classification: Likely benign. Last evaluated: 2024-11-28. Review status: criteria provided, single submitter. Criteria: ACMG Guidelines, 2015. Collection method: clinical testing. Allele origin: germline.

Genome-Nilou Lab
Classification: Likely benign for Deficiency of alpha-mannosidase. Last evaluated: 2021-09-05. Review status: criteria provided, single submitter. Criteria: ACMG Guidelines, 2015. Collection method: clinical testing. Allele origin: germline. Affected: no.

Illumina Laboratory Services, Illumina
Classification: Uncertain significance for Deficiency of alpha-mannosidase. Last evaluated: 2018-01-12. Review status: criteria provided, single submitter. Criteria: ICSL Variant Classification Criteria 13 December 2019. Collection method: clinical testing. Allele origin: germline.

Natera, Inc.
Classification: Benign for Alpha-mannosidosis. Last evaluated: 2019-10-23. Review status: no assertion criteria provided. Collection method: clinical testing. Allele origin: germline. Not counted in ClinVar's aggregate classification.

Clinical Genetics DNA and cytogenetics Diagnostics Lab, Erasmus MC, Erasmus Medical Center
Classification: Likely benign. Review status: no assertion criteria provided. Collection method: clinical testing. Allele origin: germline. Affected: yes. Study: VKGL Data-share Consensus. Not counted in ClinVar's aggregate classification.

Genome Diagnostics Laboratory, University Medical Center Utrecht
Classification: Likely benign. Review status: no assertion criteria provided. Collection method: clinical testing. Allele origin: germline. Affected: yes. Study: VKGL Data-share Consensus. Not counted in ClinVar's aggregate classification.